The following is an entry in ClinVar:

ClinVar aggregate classification (germline): Uncertain significance (1 of 4 stars; one submission).

Allele frequency attached by ClinVar (database versions not stated): gnomAD exomes 0.00001.
gnomAD v4.1: 11 of 1,613,834 alleles (0.00068%); highest among the groups gnomAD compares: Admixed American, 0.0017%; no homozygotes.

Submission:

Labcorp Genetics (formerly Invitae), Labcorp
Classification: Uncertain significance. Last evaluated: 2024-10-23. Review status: criteria provided, single submitter. Criteria: Invitae Variant Classification Sherloc (09022015). Collection method: clinical testing. Allele origin: germline.
Comment: This sequence change replaces glycine, which is neutral and non-polar, with valine, which is neutral and non-polar, at codon 720 of the PITPNM3 protein (p.Gly720Val). This variant is present in population databases (no rsID available, gnomAD 0.002%). This variant has not been reported in the literature in individuals affected with PITPNM3-related conditions. An algorithm developed to predict the effect of missense changes on protein structure and function (PolyPhen-2) suggests that this variant is likely to be disruptive. In summary, the available evidence is currently insufficient to determine the role of this variant in disease. Therefore, it has been classified as a Variant of Uncertain Significance.

NM_031220.4(PITPNM3):c.2159G>T (p.Gly720Val)

Gene: PITPNM3 (PITPNM family member 3; minus strand). Cytogenetic location: 17p13.2.
Variant type: single nucleotide variant.
Coding change: c.2159G>T on transcript NM_031220.4 (MANE Select); coding-DNA position 2159, G replaced by T.
Protein change: p.Gly720Val; replaces glycine 720 with valine.
Molecular consequence: missense variant.
Genome position (GRCh38, 1-based): chr17:6,463,879, C>A on the plus strand (G>T on the coding strand, the complement: PITPNM3 is on the minus strand). VCF-style: chr17-6463879-C-A. GRCh37 (hg19) VCF-style: chr17-6367199-C-A.
Other names: c.2051G>T, p.Gly684Val (NM_001165966.2); short protein forms G684V, G720V.
Identifiers: ClinVar variation 2964677 (VCV002964677.3), dbSNP rs1245484778, ClinGen allele CA397402626.